The following is an entry in ClinVar:

ClinVar aggregate classification (germline): Uncertain significance. Review status: criteria provided, multiple submitters, no conflicts (2 of 4 stars). 3 submissions from 3 submitters: Uncertain significance (3). Last evaluated 2025-09-03.

Conditions:
Hereditary cancer-predisposing syndrome. Also called: Neoplastic Syndromes, Hereditary; Hereditary neoplastic syndrome; Tumor predisposition; Hereditary Cancer Syndrome. Identifiers: Orphanet 140162, MedGen C0027672, MeSH D009386, MONDO:0015356.
Cardiovascular phenotype. Identifiers: MedGen CN230736.
Neurofibromatosis-Noonan syndrome (NFNS). Also called: NEUROFIBROMATOSIS WITH NOONAN PHENOTYPE. Identifiers: Orphanet 638, MedGen C2931482, MONDO:0011035, OMIM 601321. Disease mechanism: loss of function.
Juvenile myelomonocytic leukemia (JMML). Also called: LEUKEMIA, JUVENILE MYELOMONOCYTIC, SOMATIC. Identifiers: Orphanet 86834, MedGen C0349639, MONDO:0011908, OMIM 607785, HP:0012209.
Café-au-lait macules with pulmonary stenosis (WTSN). Also called: PULMONIC STENOSIS WITH CAFE-AU-LAIT SPOTS. Identifiers: MedGen C0553586, MONDO:0008672, OMIM 193520.
Neurofibromatosis, type 1 (NF1). Also called: VON RECKLINGHAUSEN DISEASE; NEUROFIBROMATOSIS, TYPE I, SOMATIC; Peripheral type neurofibromatosis; Neurofibromatosis, type I. Identifiers: Orphanet 636, MedGen C0027831, MONDO:0018975, OMIM 162200. Disease mechanism: loss of function.
Neurofibromatosis, familial spinal (FSNF). Identifiers: Orphanet 636, MedGen C1834235, MONDO:0008078, OMIM 162210. Disease mechanism: loss of function.

Allele frequency attached by ClinVar (database versions not stated): gnomAD exomes below 0.00001; ExAC 0.00001.
gnomAD v4.1: 1 of 1,613,910 alleles (0.000062%); highest among the groups gnomAD compares: Admixed American, 0.0017%; no homozygotes.

Submissions (3):

Labcorp Genetics (formerly Invitae), Labcorp
Classification: Uncertain significance for Neurofibromatosis, type 1. Last evaluated: 2025-09-03. Review status: criteria provided, single submitter. Criteria: Invitae Variant Classification Sherloc (09022015). Collection method: clinical testing. Allele origin: germline.
Comment: This sequence change replaces threonine, which is neutral and polar, with alanine, which is neutral and non-polar, at codon 2590 of the NF1 protein (p.Thr2590Ala). This variant is present in population databases (rs759424718, gnomAD 0.003%). This variant has not been reported in the literature in individuals affected with NF1-related conditions. ClinVar contains an entry for this variant (Variation ID: 664602). Invitae Evidence Modeling of protein sequence and biophysical properties (such as structural, functional, and spatial information, amino acid conservation, physicochemical variation, residue mobility, and thermodynamic stability) indicates that this missense variant is expected to disrupt NF1 protein function with a positive predictive value of 95%. In summary, the available evidence is currently insufficient to determine the role of this variant in disease. Therefore, it has been classified as a Variant of Uncertain Significance.

Ambry Genetics
Classification: Uncertain significance for Cardiovascular phenotype; Hereditary cancer-predisposing syndrome. Last evaluated: 2025-03-05. Review status: criteria provided, single submitter. Criteria: Ambry Variant Classification Scheme 2023. Collection method: clinical testing. Allele origin: germline.
Comment: The p.T2590A variant (also known as c.7768A>G), located in coding exon 52 of the NF1 gene, results from an A to G substitution at nucleotide position 7768. The threonine at codon 2590 is replaced by alanine, an amino acid with similar properties. This amino acid position is highly conserved in available vertebrate species. In addition, the in silico prediction for this alteration is inconclusive. Since supporting evidence is limited at this time, the clinical significance of this alteration remains unclear.

Fulgent Genetics
Classification: Uncertain significance for Neurofibromatosis, type 1; Neurofibromatosis, familial spinal; Café-au-lait macules with pulmonary stenosis; Neurofibromatosis-Noonan syndrome; Juvenile myelomonocytic leukemia. Last evaluated: 2024-04-25. Review status: criteria provided, single submitter. Criteria: ACMG Guidelines, 2015. Collection method: clinical testing. Allele origin: germline.

NM_001042492.3(NF1):c.7831A>G (p.Thr2611Ala)

Gene: NF1 (neurofibromin 1; plus strand). Cytogenetic location: 17q11.2.
Variant type: single nucleotide variant.
Coding change: c.7831A>G on transcript NM_001042492.3 (MANE Select); coding-DNA position 7831, A replaced by G.
Protein change: p.Thr2611Ala; replaces threonine 2611 with alanine.
Molecular consequence: missense variant.
Genome position (GRCh38, 1-based): chr17:31,357,052, A>G. VCF-style: chr17-31357052-A-G. GRCh37 (hg19) VCF-style: chr17-29684070-A-G.
Other names: c.7768A>G, p.Thr2590Ala (NM_000267.4); short protein forms T2611A, T2590A.
Identifiers: ClinVar variation 664602 (VCV000664602.10), dbSNP rs759424718, ClinGen allele CA8487668.